The following is an entry in ClinVar:

ClinVar aggregate classification (germline): Uncertain significance. Review status: criteria provided, multiple submitters, no conflicts (2 of 4 stars). 3 submissions from 3 submitters: Uncertain significance (2). 1 of the submissions does not count toward it. Last evaluated 2024-04-12.

Conditions:
BBS4-related disorder. Also called: BBS4-related condition.
Bardet-Biedl syndrome (BBS). Identifiers: Orphanet 110, MedGen C0752166, MONDO:0015229.
Bardet-Biedl syndrome 4 (BBS4). Identifiers: Orphanet 110, MedGen C2936864, MONDO:0014433, OMIM 615982.

Allele frequency attached by ClinVar (database versions not stated): gnomAD exomes 0.00002; ExAC 0.00003; TOPMed 0.00001; gnomAD 0.00002.
gnomAD v4.1: 34 of 1,610,178 alleles (0.0021%); highest among the groups gnomAD compares: South Asian, 0.016%; no homozygotes.

Submissions (3):

Fulgent Genetics
Classification: Uncertain significance for Bardet-Biedl syndrome 4. Last evaluated: 2024-04-12. Review status: criteria provided, single submitter. Criteria: ACMG Guidelines, 2015. Collection method: clinical testing. Allele origin: germline.

Labcorp Genetics (formerly Invitae), Labcorp
Classification: Uncertain significance for Bardet-Biedl syndrome. Last evaluated: 2022-02-08. Review status: criteria provided, single submitter. Criteria: Invitae Variant Classification Sherloc (09022015). Collection method: clinical testing. Allele origin: germline.
Comment: This sequence change falls in intron 3 of the BBS4 gene. It does not directly change the encoded amino acid sequence of the BBS4 protein. It affects a nucleotide within the consensus splice site. This variant is present in population databases (rs778683535, gnomAD 0.01%). This variant has not been reported in the literature in individuals affected with BBS4-related conditions. Variants that disrupt the consensus splice site are a relatively common cause of aberrant splicing (PMID: 17576681, 9536098). Algorithms developed to predict the effect of sequence changes on RNA splicing suggest that this variant is not likely to affect RNA splicing. In summary, the available evidence is currently insufficient to determine the role of this variant in disease. Therefore, it has been classified as a Variant of Uncertain Significance.

PreventionGenetics, part of Exact Sciences
Classification: Likely benign for BBS4-related condition. Last evaluated: 2022-11-02. Review status: no assertion criteria provided. Collection method: clinical testing. Allele origin: germline. Not counted in ClinVar's aggregate classification.
Comment: This variant is classified as likely benign based on ACMG/AMP sequence variant interpretation guidelines (Richards et al. 2015 PMID: 25741868, with internal and published modifications).

Literature cited by the submitters: PubMed 17576681 (cited by Labcorp Genetics (formerly Invitae), Labcorp); PubMed 9536098 (cited by Labcorp Genetics (formerly Invitae), Labcorp).

NM_033028.5(BBS4):c.156+4A>G

Gene: BBS4 (Bardet-Biedl syndrome 4; plus strand). Cytogenetic location: 15q24.1.
Variant type: single nucleotide variant.
Coding change: c.156+4A>G on transcript NM_033028.5 (MANE Select); 4 bases into the intron after coding-DNA position 156, A replaced by G.
Molecular consequence: intron variant.
Genome position (GRCh38, 1-based): chr15:72,709,783, A>G. VCF-style: chr15-72709783-A-G. GRCh37 (hg19) VCF-style: chr15-73002124-A-G.
Other names: c.156+4A>G (NM_001320665.2, NM_033028.4); c.-366+4A>G (NM_001252678.2).
Identifiers: ClinVar variation 2155932 (VCV002155932.4), dbSNP rs778683535, ClinGen allele CA7646510.